The following is an entry in ClinVar:

NM_001042413.2(GLIS3):c.1983+9_1983+10insGGAAAAAGGTAATTTTATTTTTTTTTTTTTTTTTTTTNNNNNNNNNNGGTCAGGGGCGCGCTTACGCGGGGAGGCTCCTGTGCTCTCCGGCTGCTGGGGCGACGGGTTTGGGGGGGGGGGGGTTAGCTGGGAGGGGAGAATCCAACAATC

Gene: GLIS3 (GLIS family zinc finger 3; minus strand). Cytogenetic location: 9p24.2.
Variant type: Insertion.
Coding change: c.1983+9_1983+10insGGAAAAAGGTAATTTTATTTTTTTTTTTTTTTTTTTTNNNNNNNNNNGGTCAGGGGCGCGCTTACGCGGGGAGGCTCCTGTGCTCTCCGGCTGCTGGGGCGACGGGTTTGGGGGGGGGGGGGTTAGCTGGGAGGGGAGAATCCAACAATC on transcript NM_001042413.2 (MANE Select); bases 9 to 10 of the intron after coding-DNA position 1983, GGAAAAAGGTAATTTTATTTTTTTTTTTTTTTTTTTTNNNNNNNNNNGGTCAGGGGCGCGCTTACGCGGGGAGGCTCCTGTGCTCTCCGGCTGCTGGGGCGACGGGTTTGGGGGGGGGGGGGTTAGCTGGGAGGGGAGAATCCAACAATC inserted.
Molecular consequence: splice donor variant.
Genome position: GRCh38: chr9:3,932,367-3,932,368. GRCh37 (hg19): chr9:3,932,367-3,932,368.
Other names: c.1518+9_1518+10insGGAAAAAGGTAATTTTATTTTTTTTTTTTTTTTTTTTNNNNNNNNNNGGTCAGGGGCGCGCTTACGCGGGGAGGCTCCTGTGCTCTCCGGCTGCTGGGGCGACGGGTTTGGGGGGGGGGGGGTTAGCTGGGAGGGGAGAATCCAACAATC (NM_152629.4).
Identifiers: ClinVar variation 2705826 (VCV002705826.1), dbSNP rs2488685961.

ClinVar aggregate classification (germline): Uncertain significance (1 of 4 stars; one submission).

Submission:

Labcorp Genetics (formerly Invitae), Labcorp
Classification: Uncertain significance. Last evaluated: 2024-01-03. Review status: criteria provided, single submitter. Criteria: Invitae Variant Classification Sherloc (09022015). Collection method: clinical testing. Allele origin: germline.
Comment: This sequence change falls in intron 5 of the GLIS3 gene. It does not directly change the encoded amino acid sequence of the GLIS3 protein. This variant is not present in population databases (gnomAD no frequency). This variant has not been reported in the literature in individuals affected with GLIS3-related conditions. Experimental studies and prediction algorithms are not available or were not evaluated, and the effect of this variant on mRNA splicing is currently unknown. In summary, the available evidence is currently insufficient to determine the role of this variant in disease. Therefore, it has been classified as a Variant of Uncertain Significance.